The following is an entry in ClinVar:

ClinVar aggregate classification (germline): Uncertain significance (1 of 4 stars; one submission).

Submission:

GeneDx
Classification: Uncertain significance. Last evaluated: 2024-06-21. Review status: criteria provided, single submitter. Criteria: GeneDx Variant Classification Process June 2021. Collection method: clinical testing. Allele origin: germline. Affected: yes.
Comment: Not observed at significant frequency in large population cohorts (gnomAD); In silico analysis supports that this missense variant has a deleterious effect on protein structure/function; Has not been previously published as pathogenic or benign to our knowledge

NM_001197104.2(KMT2A):c.6452C>A (p.Pro2151His)

Gene: KMT2A (lysine methyltransferase 2A; plus strand). Cytogenetic location: 11q23.3.
Variant type: single nucleotide variant.
Coding change: c.6452C>A on transcript NM_001197104.2 (MANE Select); coding-DNA position 6452, C replaced by A.
Protein change: p.Pro2151His; replaces proline 2151 with histidine.
Molecular consequence: missense variant.
Genome position (GRCh38, 1-based): chr11:118,501,804, C>A. VCF-style: chr11-118501804-C-A. GRCh37 (hg19) VCF-style: chr11-118372519-C-A.
Other names: c.6542C>A, p.Pro2181His (NM_001412597.1); c.6443C>A, p.Pro2148His (NM_005933.4); short protein forms P2148H, P2151H, P2181H.
Identifiers: ClinVar variation 3391793 (VCV003391793.1).